The following is an entry in ClinVar:

NM_006269.2(RP1):c.1643G>T (p.Gly548Val)

Gene: RP1 (RP1 axonemal microtubule associated; plus strand). Cytogenetic location: 8q12.1.
Variant type: single nucleotide variant.
Coding change: c.1643G>T on transcript NM_006269.2 (MANE Select); coding-DNA position 1643, G replaced by T.
Protein change: p.Gly548Val; replaces glycine 548 with valine.
Molecular consequence: missense variant. On other transcripts: intron variant (1).
Genome position (GRCh38, 1-based): chr8:54,625,525, G>T. VCF-style: chr8-54625525-G-T. GRCh37 (hg19) VCF-style: chr8-55538085-G-T.
Other names: c.787+3237G>T (NM_001375654.1); short protein forms G548V.
Identifiers: ClinVar variation 840225 (VCV000840225.9), dbSNP rs1281074076, ClinGen allele CA370991088.
Genomic context (GRCh38, chr8:54,625,525, plus strand): 5'-AGTCATCATTAGAAAGAAAAAAGGAAAACAGTCTGCTTAAGTCAAGTGCAATAAGTGCTG[G>T]TGTTATAGAAATTACAAGTCAGAAGATGTTAGAGATGTCACATAATAATGGTTTGCCATC-3'
Protein context (NP_006260.1, residues 538-558): SLLKSSAISA[Gly548Val]VIEITSQKML

ClinVar aggregate classification (germline): Uncertain significance (1 of 4 stars; one submission).

Allele frequency attached by ClinVar (database versions not stated): gnomAD exomes below 0.00001.
gnomAD v4.1: 1 of 1,614,004 alleles (0.000062%); highest among the groups gnomAD compares: Non-Finnish European, 0.000085%; no homozygotes.

Submission:

Labcorp Genetics (formerly Invitae), Labcorp
Classification: Uncertain significance. Last evaluated: 2023-10-03. Review status: criteria provided, single submitter. Criteria: Invitae Variant Classification Sherloc (09022015). Collection method: clinical testing. Allele origin: germline.
Comment: This sequence change replaces glycine, which is neutral and non-polar, with valine, which is neutral and non-polar, at codon 548 of the RP1 protein (p.Gly548Val). This variant is present in population databases (no rsID available, gnomAD 0.0009%). This variant has not been reported in the literature in individuals affected with RP1-related conditions. ClinVar contains an entry for this variant (Variation ID: 840225). An algorithm developed to predict the effect of missense changes on protein structure and function (PolyPhen-2) suggests that this variant is likely to be disruptive. In summary, the available evidence is currently insufficient to determine the role of this variant in disease. Therefore, it has been classified as a Variant of Uncertain Significance.